The following is an entry in ClinVar:

NM_002206.3(ITGA7):c.1013T>A (p.Ile338Lys)

Gene: ITGA7 (integrin subunit alpha 7; minus strand). Cytogenetic location: 12q13.2.
Variant type: single nucleotide variant.
Coding change: c.1013T>A on transcript NM_002206.3 (MANE Select); coding-DNA position 1013, T replaced by A.
Protein change: p.Ile338Lys; replaces isoleucine 338 with lysine.
Molecular consequence: missense variant. On other transcripts: 5 prime UTR variant (1).
Genome position (GRCh38, 1-based): chr12:55,698,562, A>T on the plus strand (T>A on the coding strand, the complement: ITGA7 is on the minus strand). VCF-style: chr12-55698562-A-T. GRCh37 (hg19) VCF-style: chr12-56092346-A-T.
Other names: c.1025T>A, p.Ile342Lys (NM_001144996.2, NM_001414029.1, NM_001414030.1); c.734T>A, p.Ile245Lys (NM_001144997.2); c.686T>A, p.Ile229Lys (NM_001367993.1); c.-280T>A (NM_001367994.1); c.1013T>A, p.Ile338Lys (NM_001374465.1, NM_001414031.1, NM_001414034.1); c.1145T>A, p.Ile382Lys (NM_001410977.1); c.893T>A, p.Ile298Lys (NM_001414032.1); c.830T>A, p.Ile277Lys (NM_001414033.1); and 1 more; short protein forms I338K, I245K, I229K, I342K, I382K, I277K, I298K, I225K.
Identifiers: ClinVar variation 470561 (VCV000470561.8), dbSNP rs1555163357, ClinGen allele CA385190534.

ClinVar aggregate classification (germline): Uncertain significance (1 of 4 stars; one submission).

Conditions:
Congenital muscular dystrophy due to integrin alpha-7 deficiency. Also called: Congenital muscular dystrophy with integrin alpha-7 deficiency; Muscular dystrophy, congenital, due to ITGA7 deficiency; MYOPATHY, CONGENITAL, DUE TO INTEGRIN ALPHA-7 DEFICIENCY. Identifiers: Orphanet 34520, MedGen C2750786, MONDO:0013177, OMIM 613204.

Submission:

Labcorp Genetics (formerly Invitae), Labcorp
Classification: Uncertain significance for Congenital muscular dystrophy due to integrin alpha-7 deficiency. Last evaluated: 2016-12-24. Review status: criteria provided, single submitter. Criteria: Invitae Variant Classification Sherloc (09022015). Collection method: clinical testing. Allele origin: germline.
Comment: In summary, this variant is a novel missense change with uncertain impact on protein function. It has been classified as a Variant of Uncertain Significance. Algorithms developed to predict the effect of missense changes on protein structure and function (SIFT, PolyPhen-2, Align-GVGD) all suggest that this variant is likely to be disruptive, but these predictions have not been confirmed by published functional studies. This variant is not present in population databases (ExAC no frequency) and has not been reported in the literature in individuals with a ITGA7-related disease. This sequence change replaces isoleucine with lysine at codon 338 of the ITGA7 protein (p.Ile338Lys). The isoleucine residue is moderately conserved and there is a moderate physicochemical difference between isoleucine and lysine.